The following is an entry in ClinVar:

NM_005144.5(HR):c.-302C>A

Genes: HR (HR lysine demethylase and nuclear receptor corepressor; minus strand), HRURF (HR upstream open reading frame; minus strand). Cytogenetic location: 8p21.3.
Variant type: single nucleotide variant.
Coding change: c.-302C>A on transcript NM_005144.5 (MANE Select); 302 bases upstream of the start codon, C replaced by A.
Molecular consequence: 5 prime UTR variant. On other transcripts: nonsense (1).
Genome position (GRCh38, 1-based): chr8:22,130,689, G>T on the plus strand (C>A on the coding strand, the complement: HR is on the minus strand). VCF-style: chr8-22130689-G-T. GRCh37 (hg19) VCF-style: chr8-21988202-G-T.
Other names: c.20C>A, p.Ser7Ter (NM_001394132.1); c.-302C>A (NM_018411.4); short protein forms S7*.
Identifiers: ClinVar variation 1341643 (VCV001341643.2), dbSNP rs1827029403, ClinGen allele CA1659453582.

ClinVar aggregate classification (germline): Uncertain significance (1 of 4 stars; one submission).

Submission:

GeneDx
Classification: Uncertain significance. Last evaluated: 2021-08-13. Review status: criteria provided, single submitter. Criteria: GeneDx Variant Classification Process June 2021. Collection method: clinical testing. Allele origin: germline. Affected: yes.
Comment: Sequence alteration in the non-coding 5'UTR that is not predicted to result in a new start codon; Has no predicted effect on splicing and the nucleotide is not conserved across specie; Also reported as 20C>A (S7X); This variant is associated with the following publications: (PMID: 24961381, 19122663)